The following is an entry in ClinVar:

ClinVar aggregate classification (germline): Conflicting classifications of pathogenicity. Review status: criteria provided, conflicting classifications (1 of 4 stars). 9 submissions from 9 submitters: Uncertain significance (6); Likely benign (1). 2 of the submissions do not count toward it. Last evaluated 2025-02-03.

Conditions:
Hereditary cancer-predisposing syndrome. Also called: Tumor predisposition; Hereditary Cancer Syndrome; Hereditary neoplastic syndrome; Neoplastic Syndromes, Hereditary. Identifiers: Orphanet 140162, MedGen C0027672, MeSH D009386, MONDO:0015356.
Bloom syndrome (BLM). Also called: Bloom-Torre-Machacek syndrome. Identifiers: Orphanet 125, MedGen C0005859, MONDO:0008876, OMIM 210900.

Allele frequency attached by ClinVar (database versions not stated): gnomAD 0.00002; gnomAD exomes 0.00005 and 0.00021; TOPMed 0.00007; ExAC 0.00021.
gnomAD v4.1: 72 of 1,614,062 alleles (0.0045%); highest among the groups gnomAD compares: Admixed American, 0.097%; no homozygotes.

Submissions (9):

Labcorp Genetics (formerly Invitae), Labcorp
Classification: Uncertain significance for Bloom syndrome. Last evaluated: 2025-02-03. Review status: criteria provided, single submitter. Criteria: Invitae Variant Classification Sherloc (09022015). Collection method: clinical testing. Allele origin: germline.
Comment: This sequence change replaces glutamic acid, which is acidic and polar, with lysine, which is basic and polar, at codon 1317 of the BLM protein (p.Glu1317Lys). This variant is present in population databases (rs730880251, gnomAD 0.1%). This variant has not been reported in the literature in individuals affected with BLM-related conditions. ClinVar contains an entry for this variant (Variation ID: 180588). Invitae Evidence Modeling of protein sequence and biophysical properties (such as structural, functional, and spatial information, amino acid conservation, physicochemical variation, residue mobility, and thermodynamic stability) indicates that this missense variant is not expected to disrupt BLM protein function with a negative predictive value of 80%. In summary, the available evidence is currently insufficient to determine the role of this variant in disease. Therefore, it has been classified as a Variant of Uncertain Significance.

St. Jude Molecular Pathology, St. Jude Children's Research Hospital
Classification: Uncertain significance for Bloom syndrome. Last evaluated: 2025-01-24. Review status: criteria provided, single submitter. Criteria: St. Jude Assertion Criteria 2020. Collection method: clinical testing. Allele origin: germline.
Comment: The BLM c.3949G>A p.(Glu1317Lys) missense change has a maximum subpopulation frequency of 0.14% in gnomAD v2.1.1. The in silico tool REVEL predicts a benign effect on protein function, but to our knowledge this prediction has not been confirmed by functional studies. To our knowledge, this variant has not been reported in individuals with Bloom syndrome. In summary, the evidence currently available is insufficient to determine the clinical significance of this variant. It has therefore been classified as of uncertain significance.

Quest Diagnostics Nichols Institute San Juan Capistrano
Classification: Uncertain significance. Last evaluated: 2024-06-27. Review status: criteria provided, single submitter. Criteria: Quest Diagnostics criteria. Collection method: clinical testing. Allele origin: unknown.
Comment: The BLM c.3949G>A (p.Glu1317Lys) variant has been reported in the published literature in an individual with colorectal cancer (PMID: 28944238 (2017)).The frequency of this variant in the general population, 0.0014 (48/34590 chromosomes in Admixed American subpopulation (Genome Aggregation Database)), is higher than would generally be expected for pathogenic variants in this gene. Analysis of this variant using bioinformatics tools for the prediction of the effect of amino acid changes on protein structure and function yielded predictions that this variant is benign. Based on the available information, we are unable to determine the clinical significance of this variant.

Blueprint Genetics
Classification: Uncertain significance. Last evaluated: 2024-02-14. Review status: criteria provided, single submitter. Criteria: ACMG Guidelines, 2015. Collection method: clinical testing. Allele origin: germline.

GeneDx
Classification: Uncertain significance. Last evaluated: 2023-04-11. Review status: criteria provided, single submitter. Criteria: GeneDx Variant Classification Process June 2021. Collection method: clinical testing. Allele origin: germline. Affected: yes.
Comment: In silico analysis supports that this missense variant does not alter protein structure/function; Has not been previously published as pathogenic or benign to our knowledge

Baylor Genetics
Classification: Uncertain significance for Bloom syndrome. Last evaluated: 2021-11-26. Review status: criteria provided, single submitter. Criteria: ACMG Guidelines, 2015. Collection method: clinical testing. Allele origin: unknown. Affected: yes. Study: CSER-TexasKidsCanSeq.
Comment: This variant was determined to be of uncertain significance according to ACMG Guidelines, 2015 [PMID:25741868].

Ambry Genetics
Classification: Likely benign for Hereditary cancer-predisposing syndrome. Last evaluated: 2020-07-16. Review status: criteria provided, single submitter. Criteria: Ambry Variant Classification Scheme 2023. Collection method: clinical testing. Allele origin: germline.

Natera, Inc.
Classification: Uncertain significance for Bloom syndrome. Last evaluated: 2020-09-16. Review status: no assertion criteria provided. Collection method: clinical testing. Allele origin: germline. Not counted in ClinVar's aggregate classification.

Pathway Genomics
Classification: Uncertain significance for Bloom syndrome. Last evaluated: 2014-10-05. Review status: no assertion criteria provided. Collection method: clinical testing. Allele origin: germline. Not counted in ClinVar's aggregate classification.

Literature cited by the submitters: PubMed 28944238 (cited by Quest Diagnostics Nichols Institute San Juan Capistrano).

NM_000057.4(BLM):c.3949G>A (p.Glu1317Lys)

Gene: BLM (BLM RecQ like helicase; plus strand). Cytogenetic location: 15q26.1.
Variant type: single nucleotide variant.
Coding change: c.3949G>A on transcript NM_000057.4 (MANE Select); coding-DNA position 3949, G replaced by A.
Protein change: p.Glu1317Lys; replaces glutamic acid 1317 with lysine.
Molecular consequence: missense variant.
Genome position (GRCh38, 1-based): chr15:90,811,279, G>A. VCF-style: chr15-90811279-G-A. GRCh37 (hg19) VCF-style: chr15-91354509-G-A.
Other names: c.3949G>A (LRG_20t1); c.3949G>A, p.Glu1317Lys (NM_001287246.2); c.3556G>A, p.Glu1186Lys (NM_001287247.2); c.2824G>A, p.Glu942Lys (NM_001287248.2); short protein forms E1317K, E1186K, E942K.
Identifiers: ClinVar variation 180588 (VCV000180588.18), dbSNP rs730880251, ClinGen allele CA273735.
Genomic context (GRCh38, chr15:90,811,279, plus strand): 5'-CCAGGGATAAGCCTGTCCAGCAGCAGAGGCCCCGGAAGAAGTGCCGCTGAGGAGCTCGAC[G>A]AGGAAATACCCGTATCTTCCCACTACTTTGCAAGTAAAACCAGAAATGAAAGGAAGAGGA-3'
Protein context (NP_000048.1, residues 1307-1327): PGRSAAEELD[Glu1317Lys]EIPVSSHYFA